The following is an entry in ClinVar:

NM_153704.6(TMEM67):c.1582T>G (p.Leu528Val)

Gene: TMEM67 (transmembrane protein 67; plus strand). Cytogenetic location: 8q22.1.
Variant type: single nucleotide variant.
Coding change: c.1582T>G on transcript NM_153704.6 (MANE Select); coding-DNA position 1582, T replaced by G.
Protein change: p.Leu528Val; replaces leucine 528 with valine.
Molecular consequence: missense variant. On other transcripts: non-coding transcript variant (1).
Genome position (GRCh38, 1-based): chr8:93,793,204, T>G. VCF-style: chr8-93793204-T-G. GRCh37 (hg19) VCF-style: chr8-94805432-T-G.
Other names: c.1339T>G, p.Leu447Val (NM_001142301.1); short protein forms L447V, L528V.
Identifiers: ClinVar variation 4979422 (VCV004979422.1).
Genomic context (GRCh38, chr8:93,793,204, plus strand): 5'-TGAACACCGATGACAGAAATTACATAAATTCTCAATTGTTCTTTTGTTTTTTAGATTGCT[T>G]TGGGTGTATTGGGTGGGCTAGCTGTTTTAGCATCTCTTTTGAAGACAGCAGGATGGAAGA-3'
Protein context (NP_714915.3, residues 518-538): GEAHVQTDIA[Leu528Val]GVLGGLAVLA

ClinVar aggregate classification (germline): Uncertain significance (1 of 4 stars; one submission).

Conditions:
TMEM67-related disorder. Also called: TMEM67-related condition; TMEM67-related disorders. Identifiers: MedGen CN239423.

gnomAD v4.1: 2 of 1,613,580 alleles (0.00012%); highest among the groups gnomAD compares: African/African-American, 0.0027%; no homozygotes.

Submission:

PreventionGenetics, part of Exact Sciences
Classification: Uncertain significance for TMEM67-related condition. Last evaluated: 2025-07-15. Review status: criteria provided, single submitter. Criteria: ACMG Guidelines, 2015. Collection method: clinical testing. Allele origin: germline.
Comment: The TMEM67 c.1582T>G variant is predicted to result in the amino acid substitution p.Leu528Val. To our knowledge, this variant has not been reported in the literature or in a large population database (gnomAD), indicating this variant is rare. At this time, the clinical significance of this variant is uncertain due to the absence of conclusive functional and genetic evidence.